The following is an entry in ClinVar:

NM_000440.3(PDE6A):c.2053G>A (p.Val685Met)

Gene: PDE6A (phosphodiesterase 6A; minus strand). Cytogenetic location: 5q32.
Variant type: single nucleotide variant.
Coding change: c.2053G>A on transcript NM_000440.3 (MANE Select); coding-DNA position 2053, G replaced by A.
Protein change: p.Val685Met; replaces valine 685 with methionine.
Molecular consequence: missense variant.
Genome position (GRCh38, 1-based): chr5:149,883,511, C>T on the plus strand (G>A on the coding strand, the complement: PDE6A is on the minus strand). VCF-style: chr5-149883511-C-T. GRCh37 (hg19) VCF-style: chr5-149263074-C-T.
Other names: short protein forms V685M.
Identifiers: ClinVar variation 29874 (VCV000029874.25), dbSNP rs121909835, ClinGen allele CA259675.

ClinVar aggregate classification (germline): Pathogenic/Likely pathogenic. Review status: criteria provided, multiple submitters, no conflicts (2 of 4 stars). 10 submissions from 10 submitters: Pathogenic (6); Likely pathogenic (1). 3 of the submissions do not count toward it. Last evaluated 2026-08-24.

Conditions:
PDE6A-related disorder. Also called: PDE6A-related condition.
Retinitis pigmentosa 43 (RP43). Identifiers: Orphanet 791, MedGen C3151139, MONDO:0013437, OMIM 613810.
Retinal disorder. Also called: Retinopathies; Retinal Diseases; Retinal disorders; Retinopathy. Identifiers: MedGen C0035309, MONDO:0005283, HP:0000488.

Allele frequency attached by ClinVar (database versions not stated): gnomAD exomes 0.00005 and 0.00006; ExAC 0.00004; TOPMed 0.00008; gnomAD 0.00006.
gnomAD v4.1: 101 of 1,613,044 alleles (0.0063%); highest among the groups gnomAD compares: Middle Eastern, 0.016%; no homozygotes.

Submissions (10):

PreventionGenetics, part of Exact Sciences
Classification: Pathogenic for PDE6A-related condition. Last evaluated: 2026-08-24. Review status: criteria provided, single submitter. Criteria: ACMG Guidelines, 2015. Collection method: clinical testing. Allele origin: germline.
Comment: The PDE6A c.2053G>A variant is predicted to result in the amino acid substitution p.Val685Met. This variant has been reported in the homozygous state or in the heterozygous state with another PDE6A variant in individuals with retinitis pigmentosa (see, for example, Corton et al. 2010. PubMed ID: 21039428; supplementary data, Zampaglione et al. 2020. PubMed ID: 32037395; supplementary data, Weisschuh et al. 2020. PubMed ID: 32531858; supplementary data, Colombo et al. 2021. PubMed ID: 33576794; Thorsteinsson et al. 2021. PubMed ID: 33851411). This variant is present in 0.0085% of alleles in individuals of European (Non-Finnish) descent in gnomAD. This variant is interpreted as pathogenic.

Labcorp Genetics (formerly Invitae), Labcorp
Classification: Pathogenic. Last evaluated: 2025-09-09. Review status: criteria provided, single submitter. Criteria: Invitae Variant Classification Sherloc (09022015). Collection method: clinical testing. Allele origin: germline.
Comment: This sequence change replaces valine, which is neutral and non-polar, with methionine, which is neutral and non-polar, at codon 685 of the PDE6A protein (p.Val685Met). This variant is present in population databases (rs121909835, gnomAD 0.009%). This missense change has been observed in individual(s) with retinitis pigmentosa (PMID: 21039428, 28157543). It has also been observed to segregate with disease in related individuals. ClinVar contains an entry for this variant (Variation ID: 29874). Invitae Evidence Modeling of protein sequence and biophysical properties (such as structural, functional, and spatial information, amino acid conservation, physicochemical variation, residue mobility, and thermodynamic stability) has been performed for this missense variant. However, the output from this modeling did not meet the statistical confidence thresholds required to predict the impact of this variant on PDE6A protein function. Experimental studies have shown that this missense change affects PDE6A function (PMID: 18849587, 26188004, 27551530). For these reasons, this variant has been classified as Pathogenic.

First Genomix Gene Laboratory, Genetic Diagnostics Department
Classification: Pathogenic for Retinitis pigmentosa 43. Last evaluated: 2025-07-21. Review status: criteria provided, single submitter. Criteria: ACMG Guidelines, 2015. Collection method: clinical testing. Allele origin: germline. Inheritance: Autosomal recessive inheritance. Affected: no. Observed: 1 variant allele.

Genomic Medicine Center of Excellence, King Faisal Specialist Hospital and Research Centre
Classification: Pathogenic for Retinitis pigmentosa 43. Last evaluated: 2024-04-04. Review status: criteria provided, single submitter. Criteria: ACMG Guidelines, 2015. Collection method: clinical testing. Allele origin: germline.

GeneDx
Classification: Pathogenic. Last evaluated: 2023-10-25. Review status: criteria provided, single submitter. Criteria: GeneDx Variant Classification Process June 2021. Collection method: clinical testing. Allele origin: germline. Affected: yes.
Comment: Published functional studies in mice demonstrate a damaging effect with increased accumulation of cGMP, increased PARP activity, and severe retinal degeneration (Sothilingam et al., 2015; Jiao et al., 2016); This variant is associated with the following publications: (PMID: 18849587, 32531858, 26188004, 27551530, 21039428, 28157543, 33851411, 31589614, 33576794, 32037395, 35533076, 32553897, 33945959, 37601102, 34795310, 31884596, 34557646, 36819107, 33057649)

Blueprint Genetics
Classification: Pathogenic for PDE6A-related disorders. Last evaluated: 2023-10-23. Review status: criteria provided, single submitter. Criteria: ACMG Guidelines, 2015. Collection method: clinical testing. Allele origin: germline. Affected: yes. Observed: 5 variant alleles.

AURAGEN, Plan France Médecine Génomique
Classification: Likely pathogenic for Retinal disorder. Last evaluated: 2022-05-19. Review status: criteria provided, single submitter. Criteria: PFMG2025 (Lancet Reg Health Eur. 2025). Collection method: clinical testing. Allele origin: germline. Affected: yes.

OMIM
Classification: Pathogenic for RETINITIS PIGMENTOSA 43. Last evaluated: 2010-11-01. Review status: no assertion criteria provided. Collection method: literature only. Allele origin: germline. Not counted in ClinVar's aggregate classification.

Clinical Genetics, Academic Medical Center
Classification: Likely pathogenic. Review status: no assertion criteria provided. Collection method: clinical testing. Allele origin: germline. Affected: yes. Study: VKGL Data-share Consensus. Not counted in ClinVar's aggregate classification.

Joint Genome Diagnostic Labs from Nijmegen and Maastricht, Radboudumc and MUMC+
Classification: Likely pathogenic. Review status: no assertion criteria provided. Collection method: clinical testing. Allele origin: germline. Affected: yes. Study: VKGL Data-share Consensus. Not counted in ClinVar's aggregate classification.

Literature cited by the submitters: PubMed 21039428 (cited by Labcorp Genetics (formerly Invitae), Labcorp and OMIM); PubMed 28157543 (cited by Labcorp Genetics (formerly Invitae), Labcorp); PubMed 18849587 (cited by Labcorp Genetics (formerly Invitae), Labcorp and OMIM); PubMed 26188004 (cited by Labcorp Genetics (formerly Invitae), Labcorp); PubMed 27551530 (cited by Labcorp Genetics (formerly Invitae), Labcorp); PubMed 35533076 (cited by OMIM).